The following is an entry in ClinVar:

ClinVar aggregate classification (germline): Conflicting classifications of pathogenicity. Review status: criteria provided, conflicting classifications (1 of 4 stars). 3 submissions from 3 submitters: Uncertain significance (2); Benign (1). Last evaluated 2025-09-27.

Conditions:
Medulloblastoma (MDB). Also called: Medulloblastoma, somatic; MEDULLOBLASTOMA PREDISPOSITION SYNDROME. Identifiers: Orphanet 616, MedGen C0025149, MeSH D008527, MONDO:0007959, OMIM 155255, HP:0002885.
Gorlin syndrome. Also called: Nevoid Basal Cell Carcinoma Syndrome; Basal cell nevus syndrome. Identifiers: Orphanet 377, MedGen C0004779, MONDO:0007187.
Hereditary cancer-predisposing syndrome. Also called: Hereditary neoplastic syndrome; Hereditary Cancer Syndrome; Tumor predisposition; Neoplastic Syndromes, Hereditary. Identifiers: Orphanet 140162, MedGen C0027672, MeSH D009386, MONDO:0015356.

Allele frequency attached by ClinVar (database versions not stated): TOPMed below 0.00001; ExAC 0.00006; gnomAD exomes 0.00007.

Submissions (3):

Labcorp Genetics (formerly Invitae), Labcorp
Classification: Uncertain significance for Gorlin syndrome; Medulloblastoma. Last evaluated: 2025-09-27. Review status: criteria provided, single submitter. Criteria: Invitae Variant Classification Sherloc (09022015). Collection method: clinical testing. Allele origin: germline.
Comment: This sequence change replaces histidine, which is basic and polar, with tyrosine, which is neutral and polar, at codon 209 of the SUFU protein (p.His209Tyr). This variant is present in population databases (rs770678862, gnomAD 0.06%). This variant has not been reported in the literature in individuals affected with SUFU-related conditions. ClinVar contains an entry for this variant (Variation ID: 964439). Invitae Evidence Modeling of protein sequence and biophysical properties (such as structural, functional, and spatial information, amino acid conservation, physicochemical variation, residue mobility, and thermodynamic stability) indicates that this missense variant is not expected to disrupt SUFU protein function with a negative predictive value of 80%. In summary, the available evidence is currently insufficient to determine the role of this variant in disease. Therefore, it has been classified as a Variant of Uncertain Significance.

Ambry Genetics
Classification: Benign for Hereditary cancer-predisposing syndrome. Last evaluated: 2022-09-22. Review status: criteria provided, single submitter. Criteria: Ambry Variant Classification Scheme 2023. Collection method: clinical testing. Allele origin: germline.

Sema4
Classification: Uncertain significance for Hereditary cancer-predisposing syndrome. Last evaluated: 2021-09-30. Review status: criteria provided, single submitter. Criteria: Sema4 Curation Guidelines. Collection method: curation. Allele origin: germline.
Comment: The SUFU c.625C>T (p.H209Y) variant has been reported in at least one individual with advanced cancer (PMID: 28873162). It was observed in 18/30616 chromosomes of the South Asian subpopulation, with no homozygotes, in the large and broad cohorts of the Genome Aggregation Database (PMID: 32461654). The variant has been reported in ClinVar (Variation ID 964439). Functional studies have not been performed, and in silico predictions of the variant's effect on protein function are inconclusive. The evidence is insufficient to meet ACMG/AMP criteria for classifying the variant as benign or pathogenic. Thus, the clinical significance of this variant is currently uncertain.

Literature cited by the submitters: PubMed 28873162 (cited by Sema4).

NM_016169.4(SUFU):c.625C>T (p.His209Tyr)

Gene: SUFU (SUFU negative regulator of hedgehog signaling; plus strand). Cytogenetic location: 10q24.32.
Variant type: single nucleotide variant.
Coding change: c.625C>T on transcript NM_016169.4 (MANE Select); coding-DNA position 625, C replaced by T.
Protein change: p.His209Tyr; replaces histidine 209 with tyrosine.
Molecular consequence: missense variant.
Genome position (GRCh38, 1-based): chr10:102,593,663, C>T. VCF-style: chr10-102593663-C-T. GRCh37 (hg19) VCF-style: chr10-104353420-C-T.
Other names: c.625C>T, p.His209Tyr (NM_001178133.2); short protein forms H209Y.
Identifiers: ClinVar variation 964439 (VCV000964439.12), dbSNP rs770678862, ClinGen allele CA5667734.